The following is an entry in ClinVar:

NM_144687.4(NLRP12):c.34C>T (p.Arg12Cys)

Gene: NLRP12 (NLR family pyrin domain containing 12; minus strand). Cytogenetic location: 19q13.42.
Variant type: single nucleotide variant.
Coding change: c.34C>T on transcript NM_144687.4 (MANE Select); coding-DNA position 34, C replaced by T.
Protein change: p.Arg12Cys; replaces arginine 12 with cysteine.
Molecular consequence: missense variant.
Genome position (GRCh38, 1-based): chr19:53,824,141, G>A on the plus strand (C>T on the coding strand, the complement: NLRP12 is on the minus strand). VCF-style: chr19-53824141-G-A. GRCh37 (hg19) VCF-style: chr19-54327395-G-A.
Other names: c.34C>T, p.Arg12Cys (NM_001277126.2, NM_001277129.1); short protein forms R12C.
Identifiers: ClinVar variation 847960 (VCV000847960.9), dbSNP rs370612027, ClinGen allele CA9639856.

ClinVar aggregate classification (germline): Uncertain significance (1 of 4 stars; one submission).

Conditions:
Familial cold autoinflammatory syndrome 2 (FCAS2). Identifiers: Orphanet 247868, MedGen C2673198, MONDO:0012724, OMIM 611762.

Allele frequency attached by ClinVar (database versions not stated): gnomAD 0.00001; gnomAD exomes 0.00001; TOPMed 0.00001; ExAC 0.00002; ESP Exome Variant Server 0.00008.
gnomAD v4.1: 19 of 1,613,964 alleles (0.0012%); highest among the groups gnomAD compares: South Asian, 0.0088%; no homozygotes.

Submission:

Labcorp Genetics (formerly Invitae), Labcorp
Classification: Uncertain significance for Familial cold autoinflammatory syndrome 2. Last evaluated: 2021-07-08. Review status: criteria provided, single submitter. Criteria: Invitae Variant Classification Sherloc (09022015). Collection method: clinical testing. Allele origin: germline.
Comment: This sequence change replaces arginine with cysteine at codon 12 of the NLRP12 protein (p.Arg12Cys). The arginine residue is moderately conserved and there is a large physicochemical difference between arginine and cysteine. This variant is present in population databases (rs370612027, ExAC 0.006%). This variant has not been reported in the literature in individuals with NLRP12-related conditions. Algorithms developed to predict the effect of missense changes on protein structure and function output the following: SIFT: "Tolerated"; PolyPhen-2: "Benign"; Align-GVGD: "Class C0". The cysteine amino acid residue is found in multiple mammalian species, suggesting that this missense change does not adversely affect protein function. These predictions have not been confirmed by published functional studies and their clinical significance is uncertain. In summary, the available evidence is currently insufficient to determine the role of this variant in disease. Therefore, it has been classified as a Variant of Uncertain Significance.